The following is an entry in ClinVar:

ClinVar aggregate classification (germline): Uncertain significance. Review status: criteria provided, multiple submitters, no conflicts (2 of 4 stars). 2 submissions from 2 submitters: Uncertain significance (2). Last evaluated 2025-12-15.

Conditions:
Inborn genetic diseases. Identifiers: MedGen C0950123, MeSH D030342.

Allele frequency attached by ClinVar (database versions not stated): gnomAD exomes 0.00001 and 0.00002; TOPMed 0.00001.
gnomAD v4.1: 5 of 1,613,874 alleles (0.00031%); highest among the groups gnomAD compares: Admixed American, 0.0083%; no homozygotes.

Submissions (2):

Ambry Genetics
Classification: Uncertain significance for Inborn genetic diseases. Last evaluated: 2025-12-15. Review status: criteria provided, single submitter. Criteria: Ambry Variant Classification Scheme 2023. Collection method: clinical testing. Allele origin: germline.

Labcorp Genetics (formerly Invitae), Labcorp
Classification: Uncertain significance. Last evaluated: 2025-07-28. Review status: criteria provided, single submitter. Criteria: Invitae Variant Classification Sherloc (09022015). Collection method: clinical testing. Allele origin: germline.
Comment: This sequence change replaces serine, which is neutral and polar, with proline, which is neutral and non-polar, at codon 335 of the PLK4 protein (p.Ser335Pro). This variant is present in population databases (no rsID available, gnomAD 0.009%). This variant has not been reported in the literature in individuals affected with PLK4-related conditions. ClinVar contains an entry for this variant (Variation ID: 1487064). An algorithm developed to predict the effect of missense changes on protein structure and function (PolyPhen-2) suggests that this variant is likely to be disruptive. In summary, the available evidence is currently insufficient to determine the role of this variant in disease. Therefore, it has been classified as a Variant of Uncertain Significance.

NM_014264.5(PLK4):c.1003T>C (p.Ser335Pro)

Gene: PLK4 (polo like kinase 4; plus strand). Cytogenetic location: 4q28.1.
Variant type: single nucleotide variant.
Coding change: c.1003T>C on transcript NM_014264.5 (MANE Select); coding-DNA position 1003, T replaced by C.
Protein change: p.Ser335Pro; replaces serine 335 with proline.
Molecular consequence: missense variant.
Genome position (GRCh38, 1-based): chr4:127,886,373, T>C. VCF-style: chr4-127886373-T-C. GRCh37 (hg19) VCF-style: chr4-128807528-T-C.
Other names: c.907T>C, p.Ser303Pro (NM_001190799.2); c.880T>C, p.Ser294Pro (NM_001190801.2); c.1003T>C (NM_014264.4); short protein forms S294P, S303P, S335P.
Identifiers: ClinVar variation 1487064 (VCV001487064.7), dbSNP rs1449509809, ClinGen allele CA358151925.